The following is an entry in ClinVar:

ClinVar aggregate classification (germline): Uncertain significance. Review status: criteria provided, multiple submitters, no conflicts (2 of 4 stars). 2 submissions from 2 submitters: Uncertain significance (2). Last evaluated 2025-11-25.

Conditions:
Autosomal recessive limb-girdle muscular dystrophy type 2J (LGMDR10). Also called: MUSCULAR DYSTROPHY, LIMB-GIRDLE, AUTOSOMAL RECESSIVE 10; Limb-girdle muscular dystrophy, type 2J. Identifiers: Orphanet 140922, MedGen C1837342, MONDO:0012127, OMIM 608807.
TTN-related disorder. Also called: TTN-related condition; TTN-related disease; TTN-related disorders.

Allele frequency attached by ClinVar (database versions not stated): gnomAD exomes below 0.00001.
gnomAD v4.1: 6 of 1,613,572 alleles (0.00037%); highest among the groups gnomAD compares: Non-Finnish European, 0.00051%; no homozygotes.

Submissions (2):

PreventionGenetics, part of Exact Sciences
Classification: Uncertain significance for TTN-related condition. Last evaluated: 2025-11-25. Review status: criteria provided, single submitter. Criteria: ACMG Guidelines, 2015. Collection method: clinical testing. Allele origin: germline.
Comment: The TTN c.23587T>C variant is predicted to result in the amino acid substitution p.Ser7863Pro. To our knowledge, this variant has not been reported in the literature or in a large population database (gnomAD), indicating this variant is rare. At this time, the clinical significance of this variant is uncertain due to the absence of conclusive functional and genetic evidence.

Mayo Clinic Laboratories, Mayo Clinic
Classification: Uncertain significance for Autosomal recessive limb-girdle muscular dystrophy type 2J. Last evaluated: 2017-09-21. Review status: criteria provided, single submitter. Criteria: ACMG Guidelines, 2015. Collection method: clinical testing. Allele origin: paternal.

NM_001267550.2(TTN):c.23587T>C (p.Ser7863Pro)

Gene: TTN (titin; minus strand). Cytogenetic location: 2q31.2.
Variant type: single nucleotide variant.
Coding change: c.23587T>C on transcript NM_001267550.2 (MANE Select); coding-DNA position 23587, T replaced by C.
Protein change: p.Ser7863Pro; replaces serine 7863 with proline.
Molecular consequence: missense variant. On other transcripts: intron variant (3).
Genome position (GRCh38, 1-based): chr2:178,720,055, A>G on the plus strand (T>C on the coding strand, the complement: TTN is on the minus strand). VCF-style: chr2-178720055-A-G. GRCh37 (hg19) VCF-style: chr2-179584782-A-G.
Other names: c.22636T>C, p.Ser7546Pro (NM_001256850.1); c.19855T>C, p.Ser6619Pro (NM_133378.4); c.13282+18027T>C (NM_003319.4); c.13858+18027T>C (NM_133437.4); c.13657+18027T>C (NM_133432.3); c.23587T>C (LRG_391t1); short protein forms S7863P, S7546P, S6619P.
Identifiers: ClinVar variation 548010 (VCV000548010.6), dbSNP rs1553906488, ClinGen allele CA349508192.